The following is an entry in ClinVar:

NM_000204.5(CFI):c.1635T>A (p.Ser545Arg)

Gene: CFI (complement factor I; minus strand). Cytogenetic location: 4q25.
Variant type: single nucleotide variant.
Coding change: c.1635T>A on transcript NM_000204.5 (MANE Select); coding-DNA position 1635, T replaced by A.
Protein change: p.Ser545Arg; replaces serine 545 with arginine.
Molecular consequence: missense variant. On other transcripts: 3 prime UTR variant (2), non-coding transcript variant (3), intron variant (7).
Genome position (GRCh38, 1-based): chr4:109,741,010, A>T on the plus strand (T>A on the coding strand, the complement: CFI is on the minus strand). VCF-style: chr4-109741010-A-T. GRCh37 (hg19) VCF-style: chr4-110662166-A-T.
Other names: c.1659T>A, p.Ser553Arg (NM_001318057.2); c.1614T>A, p.Ser538Arg (NM_001331035.2); c.1578T>A, p.Ser526Arg (NM_001375283.1); c.1026T>A, p.Ser342Arg (NM_001375284.1); c.1656T>A, p.Ser552Arg (NM_001440986.1); c.*335T>A (NM_001440989.1, NM_001440991.1); c.1513+1481T>A (NM_001375282.1, NM_001375280.1); c.1534+1481T>A (NM_001375281.1, NM_001375279.1); and 2 more; short protein forms S342R, S526R, S538R, S545R, S552R, S553R.
Identifiers: ClinVar variation 4280544 (VCV004280544.2).
Genomic context (GRCh38, chr4:109,741,010, plus strand): 5'-ATAATTGGCCACTTTGGTGTAAACACCTGGGAACTCTGGTTTTCCACAGTTTTCCCCCCA[A>T]CTCACAACACCCCAGACATAAGTCACATTGTTGGCATCCATACAGACTAAGGGGCCTCCA-3'
Protein context (NP_000195.3, residues 535-555): NNVTYVWGVV[Ser545Arg]WGENCGKPEF

ClinVar aggregate classification (germline): Likely pathogenic (1 of 4 stars; one submission).

Conditions:
Atypical hemolytic-uremic syndrome. Identifiers: Orphanet 2134, MedGen C2931788, MONDO:0016244.

gnomAD v4.1: 1 of 1,614,128 alleles (0.000062%); highest among the groups gnomAD compares: Non-Finnish European, 0.000085%; no homozygotes.

Submission:

Genomenon, Inc
Classification: Likely pathogenic for Atypical hemolytic-uremic syndrome. Last evaluated: 2026-09-17. Review status: criteria provided, single submitter. Criteria: Genomenon Sequence Variant Interpretation Standards - Updated. Collection method: curation. Allele origin: germline. Affected: yes.
Comment: CFI p.Ser545Arg (c.1635T>A) is a missense variant that changes the amino acid at codon 545 from Serine to Arginine. This variant has been observed in at least one proband affected with atypical hemolytic-uremic syndrome (PMID:27268256). This variant is located in a mutational hotspot and/or important functional domain. It is absent or not present at a significant frequency in gnomAD. In silico models predict that this variant is possibly or probably damaging. In conclusion, we classify CFI p.Ser545Arg (c.1635T>A) as a likely pathogenic variant.

Literature cited by the submitters: PubMed 27268256.